The following is an entry in ClinVar:

NM_000179.3(MSH6):c.3698_3699dup (p.Glu1234fs)

Gene: MSH6 (mutS homolog 6; plus strand). Cytogenetic location: 2p16.3.
Variant type: Duplication.
Coding change: c.3698_3699dup on transcript NM_000179.3 (MANE Select); coding-DNA positions 3698 to 3699, 2 bases duplicated (AA; older notation c.3698_3699dupAA).
Protein change: p.Glu1234fs; shifts the reading frame from glutamic acid 1234.
Molecular consequence: frameshift variant. On other transcripts: non-coding transcript variant (5).
Genome position (GRCh38, 1-based): chr2:47,806,255-47,806,256, AA duplicated; duplicating any 2 consecutive bases within chr2:47,806,254-47,806,256 gives the same sequence; the c. name uses the placement nearest the transcript's 3' end. VCF-style (leftmost placement, unchanged base first): chr2-47806253-T-TAA. GRCh37 (hg19) VCF-style: chr2-48033392-T-TAA.
Other names: c.3308_3309dup, p.Glu1104fs (NM_001281492.2); c.2792_2793dup, p.Glu932fs (NM_001281493.2, NM_001281494.2, NM_001406811.1 and 6 more transcripts); c.3794_3795dup, p.Glu1266fs (NM_001406795.1, NM_001406802.1); c.3698_3699dup, p.Glu1234fs (NM_001406796.1, NM_001406800.1, NM_001406808.1 and 1 more transcripts); c.3401_3402dup, p.Glu1135fs (NM_001406797.1, NM_001406801.1, NM_001406805.1 and 10 more transcripts); c.3524_3525dup, p.Glu1176fs (NM_001406798.1); c.3173_3174dup, p.Glu1059fs (NM_001406799.1, NM_001406806.1, NM_001406807.1); c.2834_2835dup, p.Glu946fs (NM_001406803.1); and 8 more; short protein forms E1059fs, E1104fs, E1135fs, E1176fs, E1178fs, E1208fs, E1234fs, E1236fs.
Identifiers: ClinVar variation 2673747 (VCV002673747.5), dbSNP rs1558392033, ClinGen allele CA2695200602.

ClinVar aggregate classification (germline): Pathogenic. Review status: criteria provided, multiple submitters, no conflicts (2 of 4 stars). 3 submissions from 3 submitters: Pathogenic (3). Last evaluated 2025-02-10.

Conditions:
Hereditary nonpolyposis colorectal neoplasms. Identifiers: MedGen C0009405, MeSH D003123.
Hereditary cancer-predisposing syndrome. Also called: Tumor predisposition; Hereditary neoplastic syndrome; Neoplastic Syndromes, Hereditary; Hereditary Cancer Syndrome. Identifiers: Orphanet 140162, MedGen C0027672, MeSH D009386, MONDO:0015356.
Lynch syndrome 5 (LYNCH5). Also called: Colorectal cancer, hereditary nonpolyposis, type 5; Hereditary non-polyposis colorectal cancer, type 5. Identifiers: Orphanet 144, MedGen C1833477, MONDO:0013710, OMIM 614350. Disease mechanism: loss of function.

Submissions (3):

Ambry Genetics
Classification: Pathogenic for Hereditary cancer-predisposing syndrome. Last evaluated: 2025-02-10. Review status: criteria provided, single submitter. Criteria: Ambry Variant Classification Scheme 2023. Collection method: clinical testing. Allele origin: germline.
Comment: The c.3698_3699dupAA pathogenic mutation, located in coding exon 8 of the MSH6 gene, results from a duplication of AA at nucleotide position 3698, causing a translational frameshift with a predicted alternate stop codon (p.E1234Kfs*7). This variant is considered to be rare based on population cohorts in the Genome Aggregation Database (gnomAD). This alteration is expected to result in loss of function by premature protein truncation or nonsense-mediated mRNA decay. As such, this alteration is interpreted as a disease-causing mutation.

Labcorp Genetics (formerly Invitae), Labcorp
Classification: Pathogenic for Hereditary nonpolyposis colorectal neoplasms. Last evaluated: 2023-11-08. Review status: criteria provided, single submitter. Criteria: Invitae Variant Classification Sherloc (09022015). Collection method: clinical testing. Allele origin: germline.
Comment: This sequence change creates a premature translational stop signal (p.Glu1234Lysfs*7) in the MSH6 gene. It is expected to result in an absent or disrupted protein product. Loss-of-function variants in MSH6 are known to be pathogenic (PMID: 18269114, 24362816). This variant is not present in population databases (gnomAD no frequency). This variant has not been reported in the literature in individuals affected with MSH6-related conditions. For these reasons, this variant has been classified as Pathogenic.

Myriad Genetics, Inc.
Classification: Pathogenic for Lynch syndrome 5. Last evaluated: 2023-08-25. Review status: criteria provided, single submitter. Criteria: Myriad Autosomal Dominant, Autosomal Recessive and X-Linked Classification Criteria (2023). Collection method: clinical testing. Allele origin: unknown.
Comment: This variant is considered pathogenic. This variant creates a frameshift predicted to result in premature protein truncation.

Literature cited by the submitters: PubMed 18269114 (cited by Labcorp Genetics (formerly Invitae), Labcorp); PubMed 24362816 (cited by Labcorp Genetics (formerly Invitae), Labcorp).